The following is an entry in ClinVar:

NM_001365276.2(TNXB):c.2774A>C (p.Asn925Thr)

Gene: TNXB (tenascin XB; minus strand). Cytogenetic location: 6p21.33.
Variant type: single nucleotide variant.
Coding change: c.2774A>C on transcript NM_001365276.2 (MANE Select); coding-DNA position 2774, A replaced by C.
Protein change: p.Asn925Thr; replaces asparagine 925 with threonine.
Molecular consequence: missense variant.
Genome position (GRCh38, 1-based): chr6:32,088,790, T>G on the plus strand (A>C on the coding strand, the complement: TNXB is on the minus strand). VCF-style: chr6-32088790-T-G. GRCh37 (hg19) VCF-style: chr6-32056567-T-G.
Other names: c.2774A>C, p.Asn925Thr (NM_001428335.1, NM_019105.8); short protein forms N925T.
Identifiers: ClinVar variation 3227259 (VCV003227259.1), dbSNP rs2483718490, ClinGen allele CA363458721.
Genomic context (GRCh38, chr6:32,088,790, plus strand): 5'-GGAGGATCCAAGGCTGGGAAACCAGGGCCCTTCCCTAACCTCTGGCCAGCCATACCTGTG[T>G]TGGCCCTGACAGAAGCTGGGTAGCTGACTGCCCGGCCCCGCTCCGCTGTGACAGTCACCA-3'
Protein context (NP_001352205.1, residues 915-935): AVSYPASVRA[Asn925Thr]TGSSPLGLLG

ClinVar aggregate classification (germline): Uncertain significance (1 of 4 stars; one submission).

Conditions:
Cardiovascular phenotype. Identifiers: MedGen CN230736.

Allele frequency attached by ClinVar (database versions not stated): gnomAD exomes below 0.00001.
gnomAD v4.1: 1 of 1,571,274 alleles (0.000064%); highest among the groups gnomAD compares: Middle Eastern, 0.017%; no homozygotes.

Submission:

Ambry Genetics
Classification: Uncertain significance for Cardiovascular phenotype. Last evaluated: 2023-09-28. Review status: criteria provided, single submitter. Criteria: Ambry Variant Classification Scheme 2023. Collection method: clinical testing. Allele origin: germline.
Comment: The p.N925T variant (also known as c.2774A>C), located in coding exon 5 of the TNXB gene, results from an A to C substitution at nucleotide position 2774. The asparagine at codon 925 is replaced by threonine, an amino acid with similar properties. This amino acid position is conserved. In addition, this alteration is predicted to be tolerated by in silico analysis. Since supporting evidence is limited at this time, the clinical significance of this alteration remains unclear.